The following is an entry in ClinVar:

ClinVar aggregate classification (germline): Uncertain significance (1 of 4 stars; one submission).

Conditions:
Nephronophthisis 15 (NPHP15). Identifiers: Orphanet 3156, MedGen C3541853, MONDO:0013917, OMIM 614845.

Allele frequency attached by ClinVar (database versions not stated): ESP Exome Variant Server 0.00008.
gnomAD v4.1: 14 of 1,614,086 alleles (0.00087%); highest among the groups gnomAD compares: African/African-American, 0.015%; no homozygotes.

Submission:

Labcorp Genetics (formerly Invitae), Labcorp
Classification: Uncertain significance for Nephronophthisis 15. Last evaluated: 2024-05-29. Review status: criteria provided, single submitter. Criteria: Invitae Variant Classification Sherloc (09022015). Collection method: clinical testing. Allele origin: germline.
Comment: This sequence change replaces arginine, which is basic and polar, with glycine, which is neutral and non-polar, at codon 1127 of the CEP164 protein (p.Arg1127Gly). This variant is present in population databases (rs149001396, gnomAD 0.04%). This variant has not been reported in the literature in individuals affected with CEP164-related conditions. ClinVar contains an entry for this variant (Variation ID: 2147019). Advanced modeling of protein sequence and biophysical properties (such as structural, functional, and spatial information, amino acid conservation, physicochemical variation, residue mobility, and thermodynamic stability) performed at Invitae indicates that this missense variant is expected to disrupt CEP164 protein function with a positive predictive value of 80%. In summary, the available evidence is currently insufficient to determine the role of this variant in disease. Therefore, it has been classified as a Variant of Uncertain Significance.

NM_014956.5(CEP164):c.3379C>G (p.Arg1127Gly)

Gene: CEP164 (centrosomal protein 164; plus strand). Cytogenetic location: 11q23.3.
Variant type: single nucleotide variant.
Coding change: c.3379C>G on transcript NM_014956.5 (MANE Select); coding-DNA position 3379, C replaced by G.
Protein change: p.Arg1127Gly; replaces arginine 1127 with glycine.
Molecular consequence: missense variant.
Genome position (GRCh38, 1-based): chr11:117,397,191, C>G. VCF-style: chr11-117397191-C-G. GRCh37 (hg19) VCF-style: chr11-117267907-C-G.
Other names: c.3388C>G, p.Arg1130Gly (NM_001271933.2); short protein forms R1127G, R1130G.
Identifiers: ClinVar variation 2147019 (VCV002147019.4), dbSNP rs149001396, ClinGen allele CA6295438.